The following is an entry in ClinVar:

ClinVar aggregate classification (germline): Uncertain significance (1 of 4 stars; one submission).

Allele frequency attached by ClinVar (database versions not stated): TOPMed below 0.00001.

Submission:

Labcorp Genetics (formerly Invitae), Labcorp
Classification: Uncertain significance. Last evaluated: 2022-05-13. Review status: criteria provided, single submitter. Criteria: Invitae Variant Classification Sherloc (09022015). Collection method: clinical testing. Allele origin: germline.
Comment: This sequence change replaces histidine, which is basic and polar, with proline, which is neutral and non-polar, at codon 566 of the NID1 protein (p.His566Pro). This variant is not present in population databases (gnomAD no frequency). This variant has not been reported in the literature in individuals affected with NID1-related conditions. Algorithms developed to predict the effect of missense changes on protein structure and function are either unavailable or do not agree on the potential impact of this missense change (SIFT: "Tolerated"; PolyPhen-2: "Possibly Damaging"; Align-GVGD: "Class C0"). In summary, the available evidence is currently insufficient to determine the role of this variant in disease. Therefore, it has been classified as a Variant of Uncertain Significance.

NM_002508.3(NID1):c.1697A>C (p.His566Pro)

Gene: NID1 (nidogen 1; minus strand). Cytogenetic location: 1q42.3.
Variant type: single nucleotide variant.
Coding change: c.1697A>C on transcript NM_002508.3 (MANE Select); coding-DNA position 1697, A replaced by C.
Protein change: p.His566Pro; replaces histidine 566 with proline.
Molecular consequence: missense variant.
Genome position (GRCh38, 1-based): chr1:236,029,591, T>G on the plus strand (A>C on the coding strand, the complement: NID1 is on the minus strand). VCF-style: chr1-236029591-T-G. GRCh37 (hg19) VCF-style: chr1-236192891-T-G.
Other names: short protein forms H566P.
Identifiers: ClinVar variation 1930498 (VCV001930498.5), dbSNP rs1283643455, ClinGen allele CA344968739.